The following is an entry in ClinVar:

NM_033085.3(FATE1):c.505C>T (p.Leu169=)

Gene: FATE1 (fetal and adult testis expressed 1; plus strand). Cytogenetic location: Xq28.
Variant type: single nucleotide variant.
Coding change: c.505C>T on transcript NM_033085.3 (MANE Select); coding-DNA position 505, C replaced by T.
Protein change: p.Leu169=; no amino-acid change (leucine 169 retained).
Molecular consequence: synonymous variant.
Genome position (GRCh38, 1-based): chrX:151,722,712, C>T. VCF-style: chrX-151722712-C-T. GRCh37 (hg19) VCF-style: chrX-150891184-C-T.
Identifiers: ClinVar variation 2661649 (VCV002661649.24), dbSNP rs762414787, ClinGen allele CA10541616.

ClinVar aggregate classification (germline): Likely benign (1 of 4 stars; one submission).

Allele frequency attached by ClinVar (database versions not stated): gnomAD 0.00002; gnomAD exomes 0.00010; ExAC 0.00017.
gnomAD v4.1: 109 of 1,211,021 alleles (0.009%); highest among the groups gnomAD compares: South Asian, 0.19%; no homozygotes.

Submission:

CeGaT Center for Human Genetics Tuebingen
Classification: Likely benign. Last evaluated: 2022-09-01. Review status: criteria provided, single submitter. Criteria: CeGaT Center For Human Genetics Tuebingen Variant Classification Criteria Version 2. Collection method: clinical testing. Allele origin: germline. Affected: yes. Observed: 1 variant allele.
Comment: FATE1: BP4, BP7